The following is an entry in ClinVar:

ClinVar aggregate classification (germline): Uncertain significance. Review status: criteria provided, single submitter (1 of 4 stars). 2 submissions from 2 submitters: Uncertain significance (1). 1 of the submissions does not count toward it. Last evaluated 2025-12-08.

Conditions:
GNAS-related disorder. Identifiers: MedGen CN380105.

gnomAD v4.1: 3 of 1,612,334 alleles (0.00019%); highest among the groups gnomAD compares: Admixed American, 0.0017%; no homozygotes.

Submissions (2):

Dasa
Classification: Uncertain significance. Last evaluated: 2025-12-08. Review status: criteria provided, single submitter. Criteria: DASA Assertion Criteria. Collection method: clinical testing. Allele origin: germline.
Comment: NM_000516.7(GNAS):c.997C>T (p.Arg333Cys) is a missense variant that results in the substitution of arginine with cysteine. The affected residue or protein region has prior evidence supporting clinical relevance. Published studies describe this variant in association with related phenotype (PMID: 31886927; PMID: 39003674). Also, this variant is rare in population databases. Computational prediction algorithms are consistent with a deleterious effect. The currently available literature and clinical evidence are not sufficient to establish a definitive association between this variant and the reported condition. Therefore, this variant is classified as a variant of uncertain significance.

PreventionGenetics, part of Exact Sciences
Classification: Uncertain significance for GNAS-related condition. Last evaluated: 2024-02-15. Review status: no assertion criteria provided. Collection method: clinical testing. Allele origin: germline. Not counted in ClinVar's aggregate classification.
Comment: The GNAS c.997C>T variant is predicted to result in the amino acid substitution p.Arg333Cys. This variant was reported in an individual with pseudohypoparathyroidism 1a / pseudopseudohypoparathyroidism (described as c.1000C>T in Table S2, Snanoudj et al. 2020. PubMed ID: 31886927). This variant is reported in 0.0016% of alleles in individuals of European (Non-Finnish) descent in gnomAD. At this time, the clinical significance of this variant is uncertain due to the absence of conclusive functional and genetic evidence.

Literature cited by the submitters: PubMed 31886927 (cited by Dasa); PubMed 39003674 (cited by Dasa).

NM_000516.7(GNAS):c.997C>T (p.Arg333Cys)

Gene: GNAS (GNAS complex locus; plus strand). Cytogenetic location: 20q13.32.
Variant type: single nucleotide variant.
Coding change: c.997C>T on transcript NM_000516.7 (MANE Select); coding-DNA position 997, C replaced by T.
Protein change: p.Arg333Cys; replaces arginine 333 with cysteine.
Molecular consequence: missense variant. On other transcripts: 3 prime UTR variant (2).
Genome position (GRCh38, 1-based): chr20:58,910,360, C>T. VCF-style: chr20-58910360-C-T. GRCh37 (hg19) VCF-style: chr20-57485415-C-T.
Other names: c.1000C>T, p.Arg334Cys (NM_001077488.5); c.952C>T, p.Arg318Cys (NM_001077489.4); c.*858C>T (NM_001077490.3); c.820C>T, p.Arg274Cys (NM_001309840.2, NM_001309861.2); c.901C>T, p.Arg301Cys (NM_001410912.1); c.2881C>T, p.Arg961Cys (NM_001410913.1); c.*903C>T (NM_016592.5); c.2926C>T, p.Arg976Cys (NM_080425.4); and 1 more; short protein forms R274C, R301C, R318C, R319C, R333C, R334C, R961C, R976C.
Identifiers: ClinVar variation 3349253 (VCV003349253.3).